The following is an entry in ClinVar:

ClinVar aggregate classification (germline): Uncertain significance (1 of 4 stars; one submission).

Allele frequency attached by ClinVar (database versions not stated): ExAC 0.00001; gnomAD 0.00001; TOPMed 0.00001; 1000 Genomes Project 0.00020; 1000 Genomes Project 30x 0.00031.
gnomAD v4.1: 3 of 1,614,124 alleles (0.00019%); highest among the groups gnomAD compares: Admixed American, 0.005%; no homozygotes.

Submission:

Labcorp Genetics (formerly Invitae), Labcorp
Classification: Uncertain significance. Last evaluated: 2023-07-16. Review status: criteria provided, single submitter. Criteria: Invitae Variant Classification Sherloc (09022015). Collection method: clinical testing. Allele origin: germline.
Comment: In summary, the available evidence is currently insufficient to determine the role of this variant in disease. Therefore, it has been classified as a Variant of Uncertain Significance. An algorithm developed to predict the effect of missense changes on protein structure and function (PolyPhen-2) suggests that this variant is likely to be disruptive. ClinVar contains an entry for this variant (Variation ID: 1927447). This variant has not been reported in the literature in individuals affected with SLC7A14-related conditions. This variant is present in population databases (rs557108685, gnomAD 0.003%). This sequence change replaces leucine, which is neutral and non-polar, with phenylalanine, which is neutral and non-polar, at codon 421 of the SLC7A14 protein (p.Leu421Phe).

NM_020949.3(SLC7A14):c.1263G>C (p.Leu421Phe)

Genes: SLC7A14 (solute carrier family 7 member 14; minus strand), SLC7A14-AS1 (SLC7A14 antisense RNA 1; plus strand). Cytogenetic location: 3q26.2.
Variant type: single nucleotide variant.
Coding change: c.1263G>C on transcript NM_020949.3 (MANE Select); coding-DNA position 1263, G replaced by C.
Protein change: p.Leu421Phe; replaces leucine 421 with phenylalanine.
Molecular consequence: missense variant.
Genome position (GRCh38, 1-based): chr3:170,481,019, C>G on the plus strand (G>C on the coding strand, the complement: SLC7A14 is on the minus strand). VCF-style: chr3-170481019-C-G. GRCh37 (hg19) VCF-style: chr3-170198808-C-G.
Other names: short protein forms L421F.
Identifiers: ClinVar variation 1927447 (VCV001927447.5), dbSNP rs557108685, ClinGen allele CA2701652.